The following is an entry in ClinVar:

ClinVar aggregate classification (germline): Uncertain significance. Review status: criteria provided, multiple submitters, no conflicts (2 of 4 stars). 3 submissions from 3 submitters: Uncertain significance (3). Last evaluated 2024-04-09.

Allele frequency attached by ClinVar (database versions not stated): gnomAD exomes 0.00001; gnomAD 0.00003; TOPMed 0.00003; ExAC 0.00007.
gnomAD v4.1: 11 of 1,555,766 alleles (0.00071%); highest among the groups gnomAD compares: Middle Eastern, 0.017%; no homozygotes.

Submissions (3):

Ambry Genetics
Classification: Uncertain significance. Last evaluated: 2024-04-09. Review status: criteria provided, single submitter. Criteria: Ambry Variant Classification Scheme 2023. Collection method: clinical testing. Allele origin: germline.

Labcorp Genetics (formerly Invitae), Labcorp
Classification: Uncertain significance. Last evaluated: 2022-09-27. Review status: criteria provided, single submitter. Criteria: Invitae Variant Classification Sherloc (09022015). Collection method: clinical testing. Allele origin: germline.
Comment: This sequence change replaces aspartic acid, which is acidic and polar, with asparagine, which is neutral and polar, at codon 473 of the SAMD11 protein (p.Asp473Asn). This variant is present in population databases (rs757977595, gnomAD 0.006%). This variant has not been reported in the literature in individuals affected with SAMD11-related conditions. Algorithms developed to predict the effect of missense changes on protein structure and function (SIFT, PolyPhen-2, Align-GVGD) all suggest that this variant is likely to be tolerated. In summary, the available evidence is currently insufficient to determine the role of this variant in disease. Therefore, it has been classified as a Variant of Uncertain Significance.

Blueprint Genetics
Classification: Uncertain significance. Last evaluated: 2019-10-23. Review status: criteria provided, single submitter. Criteria: ACMG Guidelines, 2015. Collection method: clinical testing. Allele origin: germline.

NM_001385641.1(SAMD11):c.1906G>A (p.Asp636Asn)

Gene: SAMD11 (sterile alpha motif domain containing 11; plus strand). Cytogenetic location: 1p36.33.
Variant type: single nucleotide variant.
Coding change: c.1906G>A on transcript NM_001385641.1 (MANE Select); coding-DNA position 1906, G replaced by A.
Protein change: p.Asp636Asn; replaces aspartic acid 636 with asparagine.
Molecular consequence: missense variant.
Genome position (GRCh38, 1-based): chr1:942,911, G>A. VCF-style: chr1-942911-G-A. GRCh37 (hg19) VCF-style: chr1-878291-G-A.
Other names: c.1909G>A, p.Asp637Asn (NM_001385640.1); c.1417G>A, p.Asp473Asn (NM_152486.4); c.1417G>A (NM_152486.2); short protein forms D473N, D636N, D637N.
Identifiers: ClinVar variation 2416556 (VCV002416556.5), dbSNP rs757977595, ClinGen allele CA503017.